The following is an entry in ClinVar:

NM_000342.4(SLC4A1):c.924G>A (p.Leu308=)

Gene: SLC4A1 (solute carrier family 4 member 1 (Diego blood group); minus strand). Cytogenetic location: 17q21.31.
Variant type: single nucleotide variant.
Coding change: c.924G>A on transcript NM_000342.4 (MANE Select); coding-DNA position 924, G replaced by A.
Protein change: p.Leu308=; no amino-acid change (leucine 308 retained).
Molecular consequence: synonymous variant.
Genome position (GRCh38, 1-based): chr17:44,258,576, C>T on the plus strand (G>A on the coding strand, the complement: SLC4A1 is on the minus strand). VCF-style: chr17-44258576-C-T. GRCh37 (hg19) VCF-style: chr17-42335944-C-T.
Other names: p.Leu308=.
Identifiers: ClinVar variation 255915 (VCV000255915.34), dbSNP rs5013, ClinGen allele CA8600422.

ClinVar aggregate classification (germline): Benign. Review status: criteria provided, multiple submitters, no conflicts (2 of 4 stars). 9 submissions from 7 submitters: Benign (9). Last evaluated 2026-01-28.

Conditions:
Hereditary spherocytosis type 4. Also called: SLC4A1-Related Spherocytosis. Identifiers: Orphanet 822, MedGen C2675212, MONDO:0012981, OMIM 612653.
Hemolytic anemia. Identifiers: MedGen C0002878, MONDO:0003664, HP:0001878.
Autosomal dominant distal renal tubular acidosis (DRTA1). Also called: Renal Tubular Acidosis, Type I; RENAL TUBULAR ACIDOSIS, DISTAL, 1; RTA, CLASSIC TYPE; RTA, DISTAL TYPE, AUTOSOMAL DOMINANT; RTA, GRADIENT TYPE. Identifiers: Orphanet 93608, MedGen CN280572, MONDO:0008368, OMIM 179800.

Allele frequency attached by ClinVar (database versions not stated): gnomAD exomes 0.00150 and 0.00396; ExAC 0.00575; gnomAD 0.01580 and 0.01720; 1000 Genomes Project 0.01757; TOPMed 0.01776; ESP Exome Variant Server 0.01885; 1000 Genomes Project 30x 0.01921.
gnomAD v4.1: 4,669 of 1,612,792 alleles (0.29%); highest among the groups gnomAD compares: African/African-American, 5.6%; 132 homozygotes.

Submissions (9):

Labcorp Genetics (formerly Invitae), Labcorp
Classification: Benign. Last evaluated: 2026-01-28. Review status: criteria provided, single submitter. Criteria: Invitae Variant Classification Sherloc (09022015). Collection method: clinical testing. Allele origin: germline.

ARUP Laboratories, Molecular Genetics and Genomics, ARUP Laboratories
Classification: Benign. Last evaluated: 2025-07-24. Review status: criteria provided, single submitter. Criteria: ARUP Molecular Germline Variant Investigation Process 2024. Collection method: clinical testing. Allele origin: germline.

Mayo Clinic Laboratories, Mayo Clinic
Classification: Benign. Last evaluated: 2023-04-10. Review status: criteria provided, single submitter. Criteria: ACMG Guidelines, 2015. Collection method: clinical testing. Allele origin: germline. Observed: 71 variant alleles.

GeneDx
Classification: Benign. Last evaluated: 2021-04-17. Review status: criteria provided, single submitter. Criteria: GeneDx Variant Classification Process June 2021. Collection method: clinical testing. Allele origin: germline. Affected: yes.

Illumina Laboratory Services, Illumina
Classification: Benign for Autosomal dominant distal renal tubular acidosis. Last evaluated: 2018-01-12. Review status: criteria provided, single submitter. Criteria: ICSL Variant Classification Criteria 13 December 2019. Collection method: clinical testing. Allele origin: germline.
Comment: This variant was observed in the ICSL laboratory as part of a predisposition screen in an ostensibly healthy population. It had not been previously curated by ICSL or reported in the Human Gene Mutation Database (HGMD: prior to June 1st, 2018), and was therefore a candidate for classification through an automated scoring system. Utilizing variant allele frequency, disease prevalence and penetrance estimates, and inheritance mode, an automated score was calculated to assess if this variant is too frequent to cause the disease. Based on the score and internal cut-off values, a variant classified as benign is not then subjected to further curation. The score for this variant resulted in a classification of benign for this disease.

Illumina Laboratory Services, Illumina
Classification: Benign for Hereditary spherocytosis type 4. Last evaluated: 2018-01-12. Review status: criteria provided, single submitter. Criteria: ICSL Variant Classification Criteria 13 December 2019. Collection method: clinical testing. Allele origin: germline.
Comment: the same text as in the submission from Illumina Laboratory Services, Illumina above.

Illumina Laboratory Services, Illumina
Classification: Benign for Hemolytic anemia. Last evaluated: 2018-01-12. Review status: criteria provided, single submitter. Criteria: ICSL Variant Classification Criteria 13 December 2019. Collection method: clinical testing. Allele origin: germline.
Comment: the same text as in the submission from Illumina Laboratory Services, Illumina above.

Breakthrough Genomics
Classification: Benign. Review status: criteria provided, single submitter. Criteria: ACMG Guidelines, 2015. Collection method: not provided. Allele origin: germline. Inheritance: Autosomal recessive inheritance. Affected: yes.

PreventionGenetics, part of Exact Sciences
Classification: Benign. Review status: criteria provided, single submitter. Criteria: ACMG Guidelines, 2015. Collection method: clinical testing. Allele origin: germline.